The following is an entry in ClinVar:

ClinVar aggregate classification (germline): Uncertain significance (1 of 4 stars; one submission).

Conditions:
Nance-Horan syndrome (NHS). Identifiers: Orphanet 627, MedGen C0796085, MONDO:0010545, OMIM 302350.

Submission:

Labcorp Genetics (formerly Invitae), Labcorp
Classification: Uncertain significance for Nance-Horan syndrome. Last evaluated: 2023-08-31. Review status: criteria provided, single submitter. Criteria: Invitae Variant Classification Sherloc (09022015). Collection method: clinical testing. Allele origin: germline.
Comment: This sequence change replaces serine, which is neutral and polar, with glycine, which is neutral and non-polar, at codon 614 of the NHS protein (p.Ser614Gly). This variant is not present in population databases (gnomAD no frequency). This variant has not been reported in the literature in individuals affected with NHS-related conditions. Advanced modeling of protein sequence and biophysical properties (such as structural, functional, and spatial information, amino acid conservation, physicochemical variation, residue mobility, and thermodynamic stability) performed at Invitae indicates that this missense variant is expected to disrupt NHS protein function. In summary, the available evidence is currently insufficient to determine the role of this variant in disease. Therefore, it has been classified as a Variant of Uncertain Significance.

NM_001291867.2(NHS):c.1903A>G (p.Ser635Gly)

Gene: NHS (NHS actin remodeling regulator; plus strand). Cytogenetic location: Xp22.13.
Variant type: single nucleotide variant.
Coding change: c.1903A>G on transcript NM_001291867.2 (MANE Select); coding-DNA position 1903, A replaced by G.
Protein change: p.Ser635Gly; replaces serine 635 with glycine.
Molecular consequence: missense variant.
Genome position (GRCh38, 1-based): chrX:17,726,009, A>G. VCF-style: chrX-17726009-A-G. GRCh37 (hg19) VCF-style: chrX-17744129-A-G.
Other names: c.1372A>G, p.Ser458Gly (NM_001136024.4); c.1309A>G, p.Ser437Gly (NM_001291868.2); c.1840A>G, p.Ser614Gly (NM_198270.4); short protein forms S614G, S437G, S458G, S635G.
Identifiers: ClinVar variation 2744537 (VCV002744537.3), dbSNP rs2519935445, ClinGen allele CA412355352.
Genomic context (GRCh38, chrX:17,726,009, plus strand): 5'-GTCCTCCTTAGCAGCCACATGGACCAGAAAGATGACCACCAGTCATCCAGTGGCAACTGG[A>G]GTGGGAGCAGCTCCACGTGCCCCTCGCAGACCTCAGAAACCATCCCTCCTGCAGCTTCTC-3'
Protein context (NP_001278796.1, residues 625-645): DDHQSSSGNW[Ser635Gly]GSSSTCPSQT